The following is an entry in ClinVar:

ClinVar aggregate classification (germline): Uncertain significance. Review status: criteria provided, single submitter (1 of 4 stars). 2 submissions from 2 submitters: Uncertain significance (1). 1 of the submissions does not count toward it. Last evaluated 2020-10-10.

Conditions:
Cardiomyopathy (CMYO). Also called: Cardiomyopathies. Identifiers: Orphanet 167848, MedGen C0878544, MONDO:0004994, HP:0001638. Inheritance: Various modes of inheritance.
Dystrophin deficiency.
Duchenne muscular dystrophy (DMD). Also called: MUSCULAR DYSTROPHY, PSEUDOHYPERTROPHIC PROGRESSIVE, DUCHENNE TYPE; Duchenne Muscular Dystrophy (DMD). Identifiers: Orphanet 98896, MedGen C0013264, MONDO:0010679, OMIM 310200.
Becker muscular dystrophy (BMD). Also called: Becker Muscular Dystrophy (BMD); MUSCULAR DYSTROPHY, PSEUDOHYPERTROPHIC PROGRESSIVE, BECKER TYPE. Identifiers: Orphanet 98895, MedGen C0917713, MONDO:0010311, OMIM 300376.

Allele frequency attached by ClinVar (database versions not stated): TOPMed 0.00002.

Submissions (2):

Labcorp Genetics (formerly Invitae), Labcorp
Classification: Uncertain significance for Duchenne muscular dystrophy. Last evaluated: 2020-10-10. Review status: criteria provided, single submitter. Criteria: Invitae Variant Classification Sherloc (09022015). Collection method: clinical testing. Allele origin: germline.
Comment: In summary, the available evidence is currently insufficient to determine the role of this variant in disease. Therefore, it has been classified as a Variant of Uncertain Significance. Algorithms developed to predict the effect of missense changes on protein structure and function (SIFT, PolyPhen-2, Align-GVGD) all suggest that this variant is likely to be disruptive, but these predictions have not been confirmed by published functional studies and their clinical significance is uncertain. This variant has not been reported in the literature in individuals with DMD-related conditions. This variant is not present in population databases (ExAC no frequency). This sequence change replaces proline with leucine at codon 2893 of the DMD protein (p.Pro2893Leu). The proline residue is highly conserved and there is a moderate physicochemical difference between proline and leucine.

Natera, Inc.
Classification: Uncertain significance for Becker muscular dystrophy; Cardiomyopathy; Duchenne muscular dystrophy; Dystrophin deficiency. Last evaluated: 2020-11-10. Review status: no assertion criteria provided. Collection method: clinical testing. Allele origin: germline. Not counted in ClinVar's aggregate classification.

NM_004006.3(DMD):c.8678C>T (p.Pro2893Leu)

Gene: DMD (dystrophin; minus strand). Cytogenetic location: Xp21.2.
Variant type: single nucleotide variant.
Coding change: c.8678C>T on transcript NM_004006.3 (MANE Select); coding-DNA position 8678, C replaced by T.
Protein change: p.Pro2893Leu; replaces proline 2893 with leucine.
Molecular consequence: missense variant.
Genome position (GRCh38, 1-based): chrX:31,478,365, G>A on the plus strand (C>T on the coding strand, the complement: DMD is on the minus strand). VCF-style: chrX-31478365-G-A. GRCh37 (hg19) VCF-style: chrX-31496482-G-A.
Other names: c.8654C>T, p.Pro2885Leu (NM_000109.4); c.8666C>T, p.Pro2889Leu (NM_004009.3); c.8309C>T, p.Pro2770Leu (NM_004010.3); c.4655C>T, p.Pro1552Leu (NM_004011.4); c.4646C>T, p.Pro1549Leu (NM_004012.4); c.1298C>T, p.Pro433Leu (NM_004013.3, NM_004020.4, NM_004021.3 and 2 more transcripts); c.491C>T, p.Pro164Leu (NM_004014.3); short protein forms P1549L, P164L, P2770L, P2885L, P2889L, P433L, P1552L, P2893L.
Identifiers: ClinVar variation 1042983 (VCV001042983.10), dbSNP rs2067979900, ClinGen allele CA412654394.
Genomic context (GRCh38, chrX:31,478,365, plus strand): 5'-GTATTGACCTCCTCAGCCTGCTTTCGTAGAAGCCGAGTGACATTCTGGGCTCTCTCCTCA[G>A]GAGGCAGCTCTAAATTGGCAATATGACAAGGTTTTAGGCCACATTCTTTTTTTTTAAACA-3'
Protein context (NP_003997.2, residues 2883-2903): KLYQEPRELP[Pro2893Leu]EERAQNVTRL